The following is an entry in ClinVar:

ClinVar aggregate classification (germline): Uncertain significance (1 of 4 stars; one submission).

Conditions:
Hereditary cancer-predisposing syndrome. Also called: Neoplastic Syndromes, Hereditary; Tumor predisposition; Hereditary neoplastic syndrome; Hereditary Cancer Syndrome. Identifiers: Orphanet 140162, MedGen C0027672, MeSH D009386, MONDO:0015356.

Submission:

Ambry Genetics
Classification: Uncertain significance for Hereditary cancer-predisposing syndrome. Last evaluated: 2026-07-06. Review status: criteria provided, single submitter. Criteria: Ambry Variant Classification Scheme 2023. Collection method: clinical testing. Allele origin: germline.
Comment: The p.A83S variant (also known as c.247G>T), located in coding exon 3 of the SDHD gene, results from a G to T substitution at nucleotide position 247. The alanine at codon 83 is replaced by serine, an amino acid with similar properties. This amino acid position is conserved. In addition, this alteration is predicted to be deleterious by in silico analysis. Based on the available evidence, the clinical significance of this variant remains unclear.

NM_003002.4(SDHD):c.247G>T (p.Ala83Ser)

Gene: SDHD (succinate dehydrogenase complex subunit D; plus strand). Cytogenetic location: 11q23.1.
Variant type: single nucleotide variant.
Coding change: c.247G>T on transcript NM_003002.4 (MANE Select); coding-DNA position 247, G replaced by T.
Protein change: p.Ala83Ser; replaces alanine 83 with serine.
Molecular consequence: missense variant. On other transcripts: non-coding transcript variant (1), intron variant (1).
Genome position (GRCh38, 1-based): chr11:112,088,944, G>T. VCF-style: chr11-112088944-G-T. GRCh37 (hg19) VCF-style: chr11-111959668-G-T.
Other names: c.130G>T, p.Ala44Ser (NM_001276504.2); c.247G>T, p.Ala83Ser (NM_001276506.2); c.169+971G>T (NM_001276503.2); short protein forms A83S, A44S.
Identifiers: ClinVar variation 5029368 (VCV005029368.1).